The following is an entry in ClinVar:

ClinVar aggregate classification (germline): Uncertain significance. Review status: criteria provided, multiple submitters, no conflicts (2 of 4 stars). 2 submissions from 2 submitters: Uncertain significance (2). Last evaluated 2024-01-04.

Allele frequency attached by ClinVar (database versions not stated): gnomAD exomes 0.00001; TOPMed 0.00001; gnomAD 0.00004; ExAC 0.00009; 1000 Genomes Project 30x 0.00016; 1000 Genomes Project 0.00020.
gnomAD v4.1: 26 of 1,600,910 alleles (0.0016%); highest among the groups gnomAD compares: East Asian, 0.045%; no homozygotes.

Submissions (2):

Labcorp Genetics (formerly Invitae), Labcorp
Classification: Uncertain significance. Last evaluated: 2024-01-04. Review status: criteria provided, single submitter. Criteria: Invitae Variant Classification Sherloc (09022015). Collection method: clinical testing. Allele origin: germline.
Comment: This sequence change replaces threonine, which is neutral and polar, with alanine, which is neutral and non-polar, at codon 65 of the NUP133 protein (p.Thr65Ala). This variant is present in population databases (rs578094869, gnomAD 0.1%), and has an allele count higher than expected for a pathogenic variant. This variant has not been reported in the literature in individuals affected with NUP133-related conditions. An algorithm developed to predict the effect of missense changes on protein structure and function (PolyPhen-2) suggests that this variant is likely to be disruptive. In summary, the available evidence is currently insufficient to determine the role of this variant in disease. Therefore, it has been classified as a Variant of Uncertain Significance.

Ambry Genetics
Classification: Uncertain significance. Last evaluated: 2023-11-21. Review status: criteria provided, single submitter. Criteria: Ambry Variant Classification Scheme 2023. Collection method: clinical testing. Allele origin: germline.
Comment: Does not currently meet published gene-disease clinical validity criteria Based on insufficient or conflicting evidence, the clinical significance of this alteration remains unclear.

Literature cited by the submitters: PubMed 28106320 (cited by Ambry Genetics).

NM_018230.3(NUP133):c.193A>G (p.Thr65Ala)

Gene: NUP133 (nucleoporin 133; minus strand). Cytogenetic location: 1q42.13.
Variant type: single nucleotide variant.
Coding change: c.193A>G on transcript NM_018230.3 (MANE Select); coding-DNA position 193, A replaced by G.
Protein change: p.Thr65Ala; replaces threonine 65 with alanine.
Molecular consequence: missense variant.
Genome position (GRCh38, 1-based): chr1:229,506,148, T>C on the plus strand (A>G on the coding strand, the complement: NUP133 is on the minus strand). VCF-style: chr1-229506148-T-C. GRCh37 (hg19) VCF-style: chr1-229641895-T-C.
Other names: c.193A>G (NM_018230.2); short protein forms T65A.
Identifiers: ClinVar variation 2884510 (VCV002884510.4), dbSNP rs578094869, ClinGen allele CA1443897.